The following is an entry in ClinVar:

NM_001267550.2(TTN):c.103648C>G (p.Gln34550Glu)

Genes: TTN (titin; minus strand), TTN-AS1 (TTN antisense RNA 1; plus strand). Cytogenetic location: 2q31.2.
Variant type: single nucleotide variant.
Coding change: c.103648C>G on transcript NM_001267550.2 (MANE Select); coding-DNA position 103648, C replaced by G.
Protein change: p.Gln34550Glu; replaces glutamine 34550 with glutamic acid.
Molecular consequence: missense variant.
Genome position (GRCh38, 1-based): chr2:178,532,967, G>C on the plus strand (C>G on the coding strand, the complement: TTN is on the minus strand). VCF-style: chr2-178532967-G-C. GRCh37 (hg19) VCF-style: chr2-179397694-G-C.
Other names: c.98725C>G, p.Gln32909Glu (NM_001256850.1); c.76453C>G, p.Gln25485Glu (NM_003319.4); c.95944C>G, p.Gln31982Glu (NM_133378.4); c.76828C>G, p.Gln25610Glu (NM_133432.3); c.77029C>G, p.Gln25677Glu (NM_133437.4); short protein forms Q25485E, Q25610E, Q25677E, Q31982E, Q32909E, Q34550E.
Identifiers: ClinVar variation 2928136 (VCV002928136.3), dbSNP rs2468472838, ClinGen allele CA349413816.
Genomic context (GRCh38, chr2:178,532,967, plus strand): 5'-ACTTCATGTCAGACATGGGCACGAACTGCTTGATGCGTTGGTCTTCTTCTATGGTAGTCT[G>C]CTTATACTTGCGTGGCTCTGGTACATCATAAGGCATCCGGAGTTTTCTCTCCTCCTTCTT-3'
Protein context (NP_001254479.2, residues 34540-34560): YDVPEPRKYK[Gln34550Glu]TTIEEDQRIK

ClinVar aggregate classification (germline): Uncertain significance (1 of 4 stars; one submission).

Conditions:
Dilated cardiomyopathy 1G (CMD1G). Identifiers: Orphanet 154, MedGen C1858763, MONDO:0011400, OMIM 604145.
Autosomal recessive limb-girdle muscular dystrophy type 2J (LGMDR10). Also called: Limb-girdle muscular dystrophy, type 2J; MUSCULAR DYSTROPHY, LIMB-GIRDLE, AUTOSOMAL RECESSIVE 10. Identifiers: Orphanet 140922, MedGen C1837342, MONDO:0012127, OMIM 608807.

Submission:

Labcorp Genetics (formerly Invitae), Labcorp
Classification: Uncertain significance for Dilated cardiomyopathy 1G; Autosomal recessive limb-girdle muscular dystrophy type 2J. Last evaluated: 2023-04-06. Review status: criteria provided, single submitter. Criteria: Invitae Variant Classification Sherloc (09022015). Collection method: clinical testing. Allele origin: germline.
Comment: This sequence change replaces glutamine, which is neutral and polar, with glutamic acid, which is acidic and polar, at codon 34550 of the TTN protein (p.Gln34550Glu). This variant is not present in population databases (gnomAD no frequency). This variant has not been reported in the literature in individuals affected with TTN-related conditions. Experimental studies and prediction algorithms are not available or were not evaluated, and the functional significance of this variant is currently unknown. In summary, the available evidence is currently insufficient to determine the role of this variant in disease. Therefore, it has been classified as a Variant of Uncertain Significance.